The following is an entry in ClinVar:

NM_000836.4(GRIN2D):c.13G>T (p.Gly5Cys)

Gene: GRIN2D (glutamate ionotropic receptor NMDA type subunit 2D; plus strand). Cytogenetic location: 19q13.33.
Variant type: single nucleotide variant.
Coding change: c.13G>T on transcript NM_000836.4 (MANE Select); coding-DNA position 13, G replaced by T.
Protein change: p.Gly5Cys; replaces glycine 5 with cysteine.
Molecular consequence: missense variant.
Genome position (GRCh38, 1-based): chr19:48,398,405, G>T. VCF-style: chr19-48398405-G-T. GRCh37 (hg19) VCF-style: chr19-48901662-G-T.
Other names: short protein forms G5C.
Identifiers: ClinVar variation 1443860 (VCV001443860.6), dbSNP rs2147434057, ClinGen allele CA406688106.

ClinVar aggregate classification (germline): Uncertain significance (1 of 4 stars; one submission).

Submission:

Labcorp Genetics (formerly Invitae), Labcorp
Classification: Uncertain significance. Last evaluated: 2021-10-20. Review status: criteria provided, single submitter. Criteria: Invitae Variant Classification Sherloc (09022015). Collection method: clinical testing. Allele origin: germline.
Comment: In summary, the available evidence is currently insufficient to determine the role of this variant in disease. Therefore, it has been classified as a Variant of Uncertain Significance. Advanced modeling of protein sequence and biophysical properties (such as structural, functional, and spatial information, amino acid conservation, physicochemical variation, residue mobility, and thermodynamic stability) performed at Invitae indicates that this missense variant is not expected to disrupt GRIN2D protein function. This variant has not been reported in the literature in individuals affected with GRIN2D-related conditions. The frequency data for this variant in the population databases is considered unreliable, as metrics indicate insufficient coverage at this position in the ExAC database. This sequence change replaces glycine with cysteine at codon 5 of the GRIN2D protein (p.Gly5Cys). The glycine residue is weakly conserved and there is a large physicochemical difference between glycine and cysteine.